The following is an entry in ClinVar:

ClinVar aggregate classification (germline): Uncertain significance. Review status: criteria provided, multiple submitters, no conflicts (2 of 4 stars). 2 submissions from 2 submitters: Uncertain significance (2). Last evaluated 2025-08-19.

Conditions:
Familial thoracic aortic aneurysm and aortic dissection (TAAD). Also called: Thoracic aortic aneurysms and dissections. Identifiers: Orphanet 91387, MedGen C4707243, MONDO:0019625.
Adams-Oliver syndrome 5 (AOS5). Identifiers: Orphanet 974, MedGen C4014970, MONDO:0014459, OMIM 616028.

Allele frequency attached by ClinVar (database versions not stated): gnomAD exomes below 0.00001.
gnomAD v4.1: 6 of 1,612,560 alleles (0.00037%); highest among the groups gnomAD compares: Non-Finnish European, 0.00042%; no homozygotes.

Submissions (2):

Ambry Genetics
Classification: Uncertain significance for Familial thoracic aortic aneurysm and aortic dissection. Last evaluated: 2025-08-19. Review status: criteria provided, single submitter. Criteria: Ambry Variant Classification Scheme 2023. Collection method: clinical testing. Allele origin: germline.
Comment: The p.P1151S variant (also known as c.3451C>T), located in coding exon 21 of the NOTCH1 gene, results from a C to T substitution at nucleotide position 3451. The proline at codon 1151 is replaced by serine, an amino acid with similar properties. This amino acid position is conserved. In addition, this alteration is predicted to be tolerated by in silico analysis. Based on the available evidence, the clinical significance of this variant remains unclear.

Labcorp Genetics (formerly Invitae), Labcorp
Classification: Uncertain significance for Adams-Oliver syndrome 5. Last evaluated: 2022-08-09. Review status: criteria provided, single submitter. Criteria: Invitae Variant Classification Sherloc (09022015). Collection method: clinical testing. Allele origin: germline.
Comment: This sequence change replaces proline, which is neutral and non-polar, with serine, which is neutral and polar, at codon 1151 of the NOTCH1 protein (p.Pro1151Ser). This variant is not present in population databases (gnomAD no frequency). This variant has not been reported in the literature in individuals affected with NOTCH1-related conditions. Advanced modeling of protein sequence and biophysical properties (such as structural, functional, and spatial information, amino acid conservation, physicochemical variation, residue mobility, and thermodynamic stability) performed at Invitae indicates that this missense variant is not expected to disrupt NOTCH1 protein function. In summary, the available evidence is currently insufficient to determine the role of this variant in disease. Therefore, it has been classified as a Variant of Uncertain Significance.

NM_017617.5(NOTCH1):c.3451C>T (p.Pro1151Ser)

Gene: NOTCH1 (notch receptor 1; minus strand). Cytogenetic location: 9q34.3.
Variant type: single nucleotide variant.
Coding change: c.3451C>T on transcript NM_017617.5 (MANE Select); coding-DNA position 3451, C replaced by T.
Protein change: p.Pro1151Ser; replaces proline 1151 with serine.
Molecular consequence: missense variant.
Genome position (GRCh38, 1-based): chr9:136,508,014, G>A on the plus strand (C>T on the coding strand, the complement: NOTCH1 is on the minus strand). VCF-style: chr9-136508014-G-A. GRCh37 (hg19) VCF-style: chr9-139402466-G-A.
Other names: c.3451C>T (NM_017617.3); short protein forms P1151S.
Identifiers: ClinVar variation 2149027 (VCV002149027.5), dbSNP rs2540442293, ClinGen allele CA375551103.